The following is an entry in ClinVar:

ClinVar aggregate classification (germline): Uncertain significance (1 of 4 stars; one submission).

Allele frequency attached by ClinVar (database versions not stated): gnomAD exomes below 0.00001; ExAC 0.00001; gnomAD 0.00001; TOPMed 0.00002.

Submission:

Labcorp Genetics (formerly Invitae), Labcorp
Classification: Uncertain significance. Last evaluated: 2022-09-01. Review status: criteria provided, single submitter. Criteria: Invitae Variant Classification Sherloc (09022015). Collection method: clinical testing. Allele origin: germline.
Comment: In summary, the available evidence is currently insufficient to determine the role of this variant in disease. Therefore, it has been classified as a Variant of Uncertain Significance. Algorithms developed to predict the effect of missense changes on protein structure and function are either unavailable or do not agree on the potential impact of this missense change (SIFT: "Deleterious"; PolyPhen-2: "Probably Damaging"; Align-GVGD: "Class C0"). ClinVar contains an entry for this variant (Variation ID: 1440971). This variant has not been reported in the literature in individuals affected with PIGV-related conditions. This variant is present in population databases (rs761689645, gnomAD 0.0009%). This sequence change replaces glycine, which is neutral and non-polar, with arginine, which is basic and polar, at codon 482 of the PIGV protein (p.Gly482Arg).

NM_017837.4(PIGV):c.1444G>A (p.Gly482Arg)

Gene: PIGV (phosphatidylinositol glycan anchor biosynthesis class V; plus strand). Cytogenetic location: 1p36.11.
Variant type: single nucleotide variant.
Coding change: c.1444G>A on transcript NM_017837.4 (MANE Select); coding-DNA position 1444, G replaced by A.
Protein change: p.Gly482Arg; replaces glycine 482 with arginine.
Molecular consequence: missense variant. On other transcripts: non-coding transcript variant (2).
Genome position (GRCh38, 1-based): chr1:26,797,806, G>A. VCF-style: chr1-26797806-G-A. GRCh37 (hg19) VCF-style: chr1-27124297-G-A.
Other names: c.1444G>A, p.Gly482Arg (NM_001202554.2, NM_001374478.1, NM_001374480.1 and 2 more transcripts); c.1063G>A, p.Gly355Arg (NM_001374483.1); c.817G>A, p.Gly273Arg (NM_001374484.1, NM_001374485.1); c.322G>A, p.Gly108Arg (NM_001374486.1); short protein forms G355R, G273R, G482R, G108R.
Identifiers: ClinVar variation 1440971 (VCV001440971.4), dbSNP rs761689645, ClinGen allele CA708230.